The following is an entry in ClinVar:

ClinVar aggregate classification (germline): Uncertain significance (1 of 4 stars; one submission).

Conditions:
Developmental and epileptic encephalopathy 94 (DEE94). Also called: CHD2-Related Neurodevelopmental Disorders; Epileptic encephalopathy, childhood-onset. Identifiers: Orphanet 1942, Orphanet 2382, MedGen C3809278, MONDO:0014150, OMIM 615369.

Allele frequency attached by ClinVar (database versions not stated): gnomAD exomes below 0.00001 and 0.00002; ExAC 0.00001.
gnomAD v4.1: 30 of 1,613,794 alleles (0.0019%); highest among the groups gnomAD compares: Non-Finnish European, 0.0025%; 1 homozygote.

Submission:

Labcorp Genetics (formerly Invitae), Labcorp
Classification: Uncertain significance for Developmental and epileptic encephalopathy 94. Last evaluated: 2020-04-01. Review status: criteria provided, single submitter. Criteria: Invitae Variant Classification Sherloc (09022015). Collection method: clinical testing. Allele origin: germline.
Comment: In summary, the available evidence is currently insufficient to determine the role of this variant in disease. Therefore, it has been classified as a Variant of Uncertain Significance. Algorithms developed to predict the effect of missense changes on protein structure and function are either unavailable or do not agree on the potential impact of this missense change (SIFT: "Deleterious"; PolyPhen-2: "Benign"; Align-GVGD: "Class C65"). This variant has not been reported in the literature in individuals with CHD2-related conditions. This variant is present in population databases (rs763507530, ExAC 0.002%). This sequence change replaces cysteine with arginine at codon 440 of the CHD2 protein (p.Cys440Arg). The cysteine residue is highly conserved and there is a large physicochemical difference between cysteine and arginine.

NM_001271.4(CHD2):c.1318T>C (p.Cys440Arg)

Gene: CHD2 (chromodomain helicase DNA binding protein 2; plus strand). Cytogenetic location: 15q26.1.
Variant type: single nucleotide variant.
Coding change: c.1318T>C on transcript NM_001271.4 (MANE Select); coding-DNA position 1318, T replaced by C.
Protein change: p.Cys440Arg; replaces cysteine 440 with arginine.
Molecular consequence: missense variant.
Genome position (GRCh38, 1-based): chr15:92,946,157, T>C. VCF-style: chr15-92946157-T-C. GRCh37 (hg19) VCF-style: chr15-93489387-T-C.
Other names: c.1318T>C, p.Cys440Arg (NM_001042572.3); short protein forms C440R.
Identifiers: ClinVar variation 1051898 (VCV001051898.9), dbSNP rs763507530, ClinGen allele CA7747773.
Genomic context (GRCh38, chr15:92,946,157, plus strand): 5'-CTCCCCTATTCAGAGTGTAGCTGGGAAGATGAAGCCCTCATTGGAAAGAAATTCCAGAAT[T>C]GCATTGACAGCTTCCACAGTAGGAACAACTCAAAAACCATCCCAACAAGAGAATGCAAGG-3'
Protein context (NP_001262.3, residues 430-450): EALIGKKFQN[Cys440Arg]IDSFHSRNNS